The following is an entry in ClinVar:

ClinVar aggregate classification (germline): Uncertain significance (1 of 4 stars; one submission).

Conditions:
Nephronophthisis. Also called: Juvenile Nephronophthisis. Identifiers: Orphanet 655, MedGen C0687120, MONDO:0019005, HP:0000090.

Allele frequency attached by ClinVar (database versions not stated): gnomAD 0.00001; ESP Exome Variant Server 0.00008.
gnomAD v4.1: 12 of 1,506,322 alleles (0.0008%); highest among the groups gnomAD compares: Non-Finnish European, 0.00092%; no homozygotes.

Submission:

Labcorp Genetics (formerly Invitae), Labcorp
Classification: Uncertain significance for Nephronophthisis. Last evaluated: 2021-11-01. Review status: criteria provided, single submitter. Criteria: Invitae Variant Classification Sherloc (09022015). Collection method: clinical testing. Allele origin: germline.
Comment: In summary, the available evidence is currently insufficient to determine the role of this variant in disease. Therefore, it has been classified as a Variant of Uncertain Significance. Algorithms developed to predict the effect of missense changes on protein structure and function (SIFT, PolyPhen-2, Align-GVGD) all suggest that this variant is likely to be tolerated. This variant has not been reported in the literature in individuals affected with NPHP3-related conditions. This variant is present in population databases (rs151118635, gnomAD 0.003%). This sequence change replaces serine, which is neutral and polar, with alanine, which is neutral and non-polar, at codon 430 of the NPHP3 protein (p.Ser430Ala).

NM_153240.5(NPHP3):c.1288T>G (p.Ser430Ala)

Genes: NPHP3 (nephrocystin 3; minus strand), NPHP3-ACAD11 (NPHP3-ACAD11 readthrough (NMD candidate); minus strand). Cytogenetic location: 3q22.1.
Variant type: single nucleotide variant.
Coding change: c.1288T>G on transcript NM_153240.5 (MANE Select); coding-DNA position 1288, T replaced by G.
Protein change: p.Ser430Ala; replaces serine 430 with alanine.
Molecular consequence: missense variant. On other transcripts: non-coding transcript variant (1).
Genome position (GRCh38, 1-based): chr3:132,705,802, A>C on the plus strand (T>G on the coding strand, the complement: NPHP3 is on the minus strand). VCF-style: chr3-132705802-A-C. GRCh37 (hg19) VCF-style: chr3-132424646-A-C.
Other names: short protein forms S430A.
Identifiers: ClinVar variation 1494300 (VCV001494300.6), dbSNP rs151118635, ClinGen allele CA2622346.